The following is an entry in ClinVar:

NM_005585.5(SMAD6):c.557G>C (p.Arg186Pro)

Gene: SMAD6 (SMAD family member 6; plus strand). Cytogenetic location: 15q22.31.
Variant type: single nucleotide variant.
Coding change: c.557G>C on transcript NM_005585.5 (MANE Select); coding-DNA position 557, G replaced by C.
Protein change: p.Arg186Pro; replaces arginine 186 with proline.
Molecular consequence: missense variant. On other transcripts: non-coding transcript variant (1).
Genome position (GRCh38, 1-based): chr15:66,703,815, G>C. VCF-style: chr15-66703815-G-C. GRCh37 (hg19) VCF-style: chr15-66996153-G-C.
Other names: short protein forms R186P.
Identifiers: ClinVar variation 1748419 (VCV001748419.8), dbSNP rs1893039549, ClinGen allele CA392949788.
Genomic context (GRCh38, chr15:66,703,815, plus strand): 5'-TGCTGCTGGAGCAGGAACTCAAAACCGTCACGTACTCGCTGCTGAAGCGGCTCAAGGAGC[G>C]CTCGCTGGACACGCTGCTGGAGGCGGTGGAGTCCCGCGGCGGCGTGCCGGGCGGCTGCGT-3'
Protein context (NP_005576.3, residues 176-196): TYSLLKRLKE[Arg186Pro]SLDTLLEAVE

ClinVar aggregate classification (germline): Uncertain significance. Review status: criteria provided, multiple submitters, no conflicts (2 of 4 stars). 2 submissions from 2 submitters: Uncertain significance (2). Last evaluated 2025-07-14.

Conditions:
Inborn genetic diseases. Identifiers: MedGen C0950123, MeSH D030342.
Aortic valve disease 2 (AOVD2). Identifiers: MedGen C3542024, MONDO:0013902, OMIM 614823.

Allele frequency attached by ClinVar (database versions not stated): TOPMed 0.00001.

Submissions (2):

Labcorp Genetics (formerly Invitae), Labcorp
Classification: Uncertain significance for Aortic valve disease 2. Last evaluated: 2025-07-14. Review status: criteria provided, single submitter. Criteria: Invitae Variant Classification Sherloc (09022015). Collection method: clinical testing. Allele origin: germline.
Comment: This sequence change replaces arginine, which is basic and polar, with proline, which is neutral and non-polar, at codon 186 of the SMAD6 protein (p.Arg186Pro). This variant is not present in population databases (gnomAD no frequency). This variant has not been reported in the literature in individuals affected with SMAD6-related conditions. ClinVar contains an entry for this variant (Variation ID: 1748419). Invitae Evidence Modeling of protein sequence and biophysical properties (such as structural, functional, and spatial information, amino acid conservation, physicochemical variation, residue mobility, and thermodynamic stability) indicates that this missense variant is not expected to disrupt SMAD6 protein function with a negative predictive value of 80%. In summary, the available evidence is currently insufficient to determine the role of this variant in disease. Therefore, it has been classified as a Variant of Uncertain Significance.

Ambry Genetics
Classification: Uncertain significance for Inborn genetic diseases. Last evaluated: 2025-01-20. Review status: criteria provided, single submitter. Criteria: Ambry Variant Classification Scheme 2023. Collection method: clinical testing. Allele origin: germline.